The following is an entry in ClinVar:

NM_017672.6(TRPM7):c.5041G>A (p.Ala1681Thr)

Gene: TRPM7 (transient receptor potential cation channel subfamily M member 7; minus strand). Cytogenetic location: 15q21.2.
Variant type: single nucleotide variant.
Coding change: c.5041G>A on transcript NM_017672.6 (MANE Select); coding-DNA position 5041, G replaced by A.
Protein change: p.Ala1681Thr; replaces alanine 1681 with threonine.
Molecular consequence: missense variant. On other transcripts: non-coding transcript variant (3).
Genome position (GRCh38, 1-based): chr15:50,574,698, C>T on the plus strand (G>A on the coding strand, the complement: TRPM7 is on the minus strand). VCF-style: chr15-50574698-C-T. GRCh37 (hg19) VCF-style: chr15-50866895-C-T.
Other names: c.5038G>A, p.Ala1680Thr (NM_001301212.2); short protein forms A1681T, A1680T.
Identifiers: ClinVar variation 4990822 (VCV004990822.1).

ClinVar aggregate classification (germline): Uncertain significance (1 of 4 stars; one submission).

Conditions:
TRPM7-related disorder. Also called: TRPM7-related condition.

gnomAD v4.1: 16 of 1,613,808 alleles (0.00099%); highest among the groups gnomAD compares: East Asian, 0.0022%; no homozygotes.

Submission:

PreventionGenetics, part of Exact Sciences
Classification: Uncertain significance for TRPM7-related condition. Last evaluated: 2025-06-09. Review status: criteria provided, single submitter. Criteria: ACMG Guidelines, 2015. Collection method: clinical testing. Allele origin: germline.
Comment: The TRPM7 c.5041G>A variant is predicted to result in the amino acid substitution p.Ala1681Thr. To our knowledge, this variant has not been reported in the literature. This variant is reported in 0.0018% of alleles in individuals of European (Non-Finnish) descent in gnomAD. At this time, the clinical significance of this variant is uncertain due to the absence of conclusive functional and genetic evidence.